The following is an entry in ClinVar:

NM_000059.4(BRCA2):c.5962del (p.Val1988fs)

Gene: BRCA2 (BRCA2 DNA repair associated; plus strand). Cytogenetic location: 13q13.1.
Variant type: Deletion.
Coding change: c.5962del on transcript NM_000059.4 (MANE Select); coding-DNA position 5962, one base deleted (G; older notation c.5962delG).
Protein change: p.Val1988fs; shifts the reading frame from valine 1988.
Molecular consequence: frameshift variant.
Genome position (GRCh38, 1-based): chr13:32,340,317, G deleted; the last of 2 consecutive G bases (chr13:32,340,316-32,340,317); deleting either gives the same sequence. VCF-style (leftmost placement, unchanged base first): chr13-32340315-AG-A. GRCh37 (hg19) VCF-style: chr13-32914452-AG-A.
Other names: 6190delG; c.5962delG (NM_000059.3).
Identifiers: ClinVar variation 234818 (VCV000234818.11), dbSNP rs876661236, ClinGen allele CA10577479.

ClinVar aggregate classification (germline): Pathogenic. Review status: reviewed by expert panel (3 of 4 stars). 3 submissions from 3 submitters: Pathogenic (1). 2 of the submissions do not count toward it. Last evaluated 2016-10-18.

Conditions:
Hereditary breast ovarian cancer syndrome. Also called: Hereditary breast and ovarian cancer; Breast and ovarian cancer; BRCA1- and BRCA2-Associated Hereditary Breast and Ovarian Cancer; Hereditary breast and ovarian cancer syndrome; Hereditary breast and ovarian cancer syndrome (HBOC); Hereditary breast and/or ovarian cancer syndrome. Identifiers: Orphanet 145, MedGen C0677776, MeSH D061325, MONDO:0003582. Disease mechanism: loss of function.
Breast-ovarian cancer, familial, susceptibility to, 2 (BROVCA2). Also called: BRCA2 Hereditary Breast and Ovarian Cancer. Identifiers: Orphanet 145, MedGen C2675520, MONDO:0012933, OMIM 612555. Disease mechanism: loss of function.

Submissions (3):

Evidence-based Network for the Interpretation of Germline Mutant Alleles (ENIGMA)
Classification: Pathogenic for Breast-ovarian cancer, familial, susceptibility to, 2. Last evaluated: 2016-10-18. Review status: reviewed by expert panel. Criteria: ENIGMA BRCA1/2 Classification Criteria (2015). Collection method: curation. Allele origin: germline.
Comment: Variant allele predicted to encode a truncated non-functional protein.

Labcorp Genetics (formerly Invitae), Labcorp
Classification: Pathogenic for Hereditary breast ovarian cancer syndrome. Last evaluated: 2018-12-22. Review status: criteria provided, single submitter. Criteria: Invitae Variant Classification Sherloc (09022015). Collection method: clinical testing. Allele origin: germline. Not counted in ClinVar's aggregate classification.
Comment: This variant is not present in population databases (ExAC no frequency). For these reasons, this variant has been classified as Pathogenic. Loss-of-function variants in BRCA2 are known to be pathogenic (PMID: 20104584). This variant has been reported in individuals in the Leiden Open-source Variation Database (PMID: 21520333). ClinVar contains an entry for this variant (Variation ID: 234818). This sequence change creates a premature translational stop signal (p.Val1988Tyrfs*16) in the BRCA2 gene. It is expected to result in an absent or disrupted protein product.

GeneDx
Classification: Pathogenic. Last evaluated: 2016-02-05. Review status: criteria provided, single submitter. Criteria: GeneDx Variant Classification (06012015). Collection method: clinical testing. Allele origin: germline. Affected: yes. Not counted in ClinVar's aggregate classification.
Comment: This deletion of one nucleotide in BRCA2 is denoted c.5962delG at the cDNA level and p.Val1988TyrfsX16 (V1988YfsX16) at the protein level. The normal sequence, with the base that is deleted in braces, is CCAG[G]TATC. The deletion causes a frameshift, which changes a Valine to a Tyrosine at codon 1988, and creates a premature stop codon at position 16 of the new reading frame. Using alternate nomenclature, this variant would be defined as BRCA2 6190delG. Although this variant has not, to our knowledge, been reported in the literature, it is predicted to cause loss of normal protein function through either protein truncation or nonsense-mediated mRNA decay. We consider this variant to be pathogenic.

Literature cited by the submitters: PubMed 20104584 (cited by Labcorp Genetics (formerly Invitae), Labcorp); PubMed 21520333 (cited by Labcorp Genetics (formerly Invitae), Labcorp).